The following is an entry in ClinVar:

NM_007194.4(CHEK2):c.1566C>T (p.Pro522=)

Gene: CHEK2 (checkpoint kinase 2; minus strand). Cytogenetic location: 22q12.1.
Variant type: single nucleotide variant.
Coding change: c.1566C>T on transcript NM_007194.4 (MANE Select); coding-DNA position 1566, C replaced by T.
Protein change: p.Pro522=; no amino-acid change (proline 522 retained).
Molecular consequence: synonymous variant.
Genome position (GRCh38, 1-based): chr22:28,687,963, G>A on the plus strand (C>T on the coding strand, the complement: CHEK2 is on the minus strand). VCF-style: chr22-28687963-G-A. GRCh37 (hg19) VCF-style: chr22-29083951-G-A.
Other names: c.1695C>T, p.Pro565= (NM_001005735.3); c.903C>T, p.Pro301= (NM_001257387.3); c.1365C>T, p.Pro455= (NM_001349956.3); c.1479C>T, p.Pro493= (NM_145862.3).
Identifiers: ClinVar variation 184125 (VCV000184125.31), dbSNP rs202104749, ClinGen allele CA187862.

ClinVar aggregate classification (germline): Conflicting classifications of pathogenicity. Review status: criteria provided, conflicting classifications (1 of 4 stars). 4 submissions from 4 submitters: Uncertain significance (1); Benign (1); Likely benign (2). Last evaluated 2024-10-08.

Conditions:
Hereditary cancer-predisposing syndrome. Also called: Tumor predisposition; Neoplastic Syndromes, Hereditary; Hereditary Cancer Syndrome; Hereditary neoplastic syndrome. Identifiers: Orphanet 140162, MedGen C0027672, MeSH D009386, MONDO:0015356.
Familial cancer of breast. Also called: hereditary breast carcinoma; BREAST CANCER, FAMILIAL; Hereditary breast cancer. Identifiers: Orphanet 227535, MedGen C0346153, MONDO:0016419, OMIM 114480. Disease mechanism: loss of function.

Allele frequency attached by ClinVar (database versions not stated): gnomAD 0.00001; ExAC 0.00002.

Submissions (4):

Myriad Genetics, Inc.
Classification: Benign for Familial cancer of breast. Last evaluated: 2024-10-08. Review status: criteria provided, single submitter. Criteria: Myriad Autosomal Dominant, Autosomal Recessive and X-Linked Classification Criteria (2023). Collection method: clinical testing. Allele origin: unknown.
Comment: This variant is considered benign. This variant is a silent/synonymous amino acid change and it is not expected to impact splicing.

CeGaT Center for Human Genetics Tuebingen
Classification: Likely benign. Last evaluated: 2023-02-01. Review status: criteria provided, single submitter. Criteria: CeGaT Center For Human Genetics Tuebingen Variant Classification Criteria Version 2. Collection method: clinical testing. Allele origin: germline. Affected: yes. Observed: 1 variant allele.
Comment: CHEK2: BP4, BP7

Quest Diagnostics Nichols Institute San Juan Capistrano
Classification: Uncertain significance. Last evaluated: 2016-11-29. Review status: criteria provided, single submitter. Criteria: Quest Diagnostics criteria. Collection method: clinical testing. Allele origin: germline.

Ambry Genetics
Classification: Likely benign for Hereditary cancer-predisposing syndrome. Last evaluated: 2014-06-18. Review status: criteria provided, single submitter. Criteria: Ambry Variant Classification Scheme 2023. Collection method: clinical testing. Allele origin: germline.

Literature cited by the submitters: PubMed 19338683 (cited by Quest Diagnostics Nichols Institute San Juan Capistrano); PubMed 24879340 (cited by Quest Diagnostics Nichols Institute San Juan Capistrano).